The following is an entry in ClinVar:

ClinVar aggregate classification (germline): Pathogenic/Likely pathogenic. Review status: criteria provided, multiple submitters, no conflicts (2 of 4 stars). 10 submissions from 10 submitters: Pathogenic (6); Likely pathogenic (2). 2 of the submissions do not count toward it. Last evaluated 2025-05-08.

Conditions:
Autosomal recessive nonsyndromic hearing loss 84B. Also called: Deafness, autosomal recessive 84b. Identifiers: Orphanet 90636, MedGen C3554159, MONDO:0013984, OMIM 614944.

Allele frequency attached by ClinVar (database versions not stated): gnomAD 0.00002 and 0.00003; TOPMed 0.00002; gnomAD exomes 0.00003; ExAC 0.00007.

Submissions (10):

Revvity Omics, Revvity
Classification: Pathogenic for Autosomal recessive nonsyndromic hearing loss 84B. Last evaluated: 2025-05-08. Review status: criteria provided, single submitter. Criteria: ACMG Guidelines, 2015. Collection method: clinical testing. Allele origin: germline.

Dasa
Classification: Pathogenic. Last evaluated: 2025-04-22. Review status: criteria provided, single submitter. Criteria: DASA Assertion Criteria. Collection method: clinical testing. Allele origin: germline.
Comment: NM_001378609.3(OTOGL):c.5449C>T (p.Arg1817*) introduces a premature termination codon predicted to result in loss of normal protein function. Loss-of-function is an established mechanism of disease for this gene. This variant has been observed in affected individuals with related phenotype in a genotype context consistent with recessive disease. The variant is present at low frequency in population datasets. Based on the available data, this variant is classified as pathogenic.

GeneDx
Classification: Pathogenic. Last evaluated: 2024-06-05. Review status: criteria provided, single submitter. Criteria: GeneDx Variant Classification Process June 2021. Collection method: clinical testing. Allele origin: germline. Affected: yes.
Comment: Identified with a second OTOGL variant (phase unknown) in patients with bilateral childhood-onset sensorineural hearing loss referred for genetic testing at GeneDx and in published literature (PMID: 35580552); Nonsense variant predicted to result in protein truncation or nonsense mediated decay in a gene for which loss-of-function is a known mechanism of disease; Not observed at significant frequency in large population cohorts (gnomAD); This variant is associated with the following publications: (PMID: 23352160, 35580552)

Labcorp Genetics (formerly Invitae), Labcorp
Classification: Pathogenic. Last evaluated: 2024-02-27. Review status: criteria provided, single submitter. Criteria: Invitae Variant Classification Sherloc (09022015). Collection method: clinical testing. Allele origin: germline.
Comment: This sequence change creates a premature translational stop signal (p.Arg1808*) in the OTOGL gene. It is expected to result in an absent or disrupted protein product. Loss-of-function variants in OTOGL are known to be pathogenic (PMID: 23122586). The frequency data for this variant in the population databases is considered unreliable, as metrics indicate poor data quality at this position in the gnomAD database. This variant has not been reported in the literature in individuals affected with OTOGL-related conditions. ClinVar contains an entry for this variant (Variation ID: 432017). Algorithms developed to predict the effect of sequence changes on RNA splicing suggest that this variant may disrupt the consensus splice site. For these reasons, this variant has been classified as Pathogenic.

Department of Pathology and Laboratory Medicine, Sinai Health System
Classification: Likely pathogenic for Autosomal recessive nonsyndromic hearing loss 84B. Last evaluated: 2023-01-11. Review status: criteria provided, single submitter. Criteria: ACMG Guidelines, 2015. Collection method: research. Allele origin: germline.

MGZ Medical Genetics Center
Classification: Pathogenic for Autosomal recessive nonsyndromic hearing loss 84B. Last evaluated: 2021-12-22. Review status: criteria provided, single submitter. Criteria: ACMG Guidelines, 2015. Collection method: clinical testing. Allele origin: germline. Affected: yes. Observed: 2 variant alleles.
Comment: ACMG criteria applied: PVS1, PS4_SUP, PM2_SUP, PM3_SUP

CeGaT Center for Human Genetics Tuebingen
Classification: Likely pathogenic. Last evaluated: 2021-12-01. Review status: criteria provided, single submitter. Criteria: CeGaT Center For Human Genetics Tuebingen Variant Classification Criteria Version 2. Collection method: clinical testing. Allele origin: germline. Affected: yes. Observed: 2 variant alleles.

Fulgent Genetics
Classification: Pathogenic for Autosomal recessive nonsyndromic hearing loss 84B. Last evaluated: 2021-08-25. Review status: criteria provided, single submitter. Criteria: ACMG Guidelines, 2015. Collection method: clinical testing. Allele origin: unknown.

Clinical Genetics DNA and cytogenetics Diagnostics Lab, Erasmus MC, Erasmus Medical Center
Classification: Pathogenic. Review status: no assertion criteria provided. Collection method: clinical testing. Allele origin: germline. Affected: yes. Study: VKGL Data-share Consensus. Not counted in ClinVar's aggregate classification.

Joint Genome Diagnostic Labs from Nijmegen and Maastricht, Radboudumc and MUMC+
Classification: Pathogenic. Review status: no assertion criteria provided. Collection method: clinical testing. Allele origin: germline. Affected: yes. Study: VKGL Data-share Consensus. Not counted in ClinVar's aggregate classification.

Literature cited by the submitters: PubMed 23122586 (cited by Labcorp Genetics (formerly Invitae), Labcorp).

NM_001378609.3(OTOGL):c.5449C>T (p.Arg1817Ter)

Gene: OTOGL (otogelin like; plus strand). Cytogenetic location: 12q21.31.
Variant type: single nucleotide variant.
Coding change: c.5449C>T on transcript NM_001378609.3 (MANE Select); coding-DNA position 5449, C replaced by T.
Protein change: p.Arg1817Ter; replaces arginine 1817 with a stop codon.
Molecular consequence: nonsense.
Genome position (GRCh38, 1-based): chr12:80,353,366, C>T. VCF-style: chr12-80353366-C-T. GRCh37 (hg19) VCF-style: chr12-80747146-C-T.
Other names: c.5314C>T, p.Arg1772Ter (NM_001368062.3); c.5449C>T, p.Arg1817Ter (NM_001378610.3, NM_173591.7); short protein forms R1808*, R1772*, R1817*.
Identifiers: ClinVar variation 432017 (VCV000432017.51), dbSNP rs768620276, ClinGen allele CA6701718.
Genomic context (GRCh38, chr12:80,353,366, plus strand): 5'-TGTCTCCTATTCTTCAAAGCCCTGAGTTGCCCAGAGGGGAAGGAATATCAACCCTGTGTG[C>T]GACCTTGTGAAGCAAGAACATGCCTGAACCAATGGTTCTATGGACACACTTCCTGTTTGA-3'